The following is an entry in ClinVar:

ClinVar aggregate classification (germline): Uncertain significance. Review status: criteria provided, multiple submitters, no conflicts (2 of 4 stars). 3 submissions from 3 submitters: Uncertain significance (3). Last evaluated 2024-10-11.

Conditions:
Sitosterolemia 1. Identifiers: MedGen C2749759, MONDO:0020747, OMIM 210250.

Allele frequency attached by ClinVar (database versions not stated): gnomAD 0.00005 and 0.00006; TOPMed 0.00005; ESP Exome Variant Server 0.00008; gnomAD exomes 0.00004 and 0.00007; ExAC 0.00007.

Submissions (3):

Mayo Clinic Laboratories, Mayo Clinic
Classification: Uncertain significance. Last evaluated: 2024-10-11. Review status: criteria provided, single submitter. Criteria: ACMG Guidelines, 2015. Collection method: clinical testing. Allele origin: germline. Observed: 2 variant alleles.
Comment: BP4

Eurofins Ntd Llc (ga)
Classification: Uncertain significance. Last evaluated: 2018-07-09. Review status: criteria provided, single submitter. Criteria: EGL ClinVar v180209 classification definitions. Collection method: clinical testing. Allele origin: germline. Observed: 2 variant alleles, 2 heterozygotes.

Illumina Laboratory Services, Illumina
Classification: Uncertain significance for Sitosterolemia 1. Last evaluated: 2018-01-12. Review status: criteria provided, single submitter. Criteria: ICSL Variant Classification Criteria 13 December 2019. Collection method: clinical testing. Allele origin: germline.

Literature cited by the submitters: PubMed 32041611 (cited by Mayo Clinic Laboratories, Mayo Clinic); PubMed 32088153 (cited by Mayo Clinic Laboratories, Mayo Clinic).

NM_022437.3(ABCG8):c.76A>G (p.Arg26Gly)

Gene: ABCG8 (ATP binding cassette subfamily G member 8; plus strand). Cytogenetic location: 2p21.
Variant type: single nucleotide variant.
Coding change: c.76A>G on transcript NM_022437.3 (MANE Select); coding-DNA position 76, A replaced by G.
Protein change: p.Arg26Gly; replaces arginine 26 with glycine.
Molecular consequence: missense variant.
Genome position (GRCh38, 1-based): chr2:43,844,519, A>G. VCF-style: chr2-43844519-A-G. GRCh37 (hg19) VCF-style: chr2-44071658-A-G.
Other names: p.Arg26Gly; c.76A>G, p.Arg26Gly (NM_001357321.2); short protein forms R26G.
Identifiers: ClinVar variation 498839 (VCV000498839.11), dbSNP rs138925418, ClinGen allele CA1636883.